The following is an entry in ClinVar:

NM_005726.6(TSFM):c.817G>A (p.Asp273Asn)

Gene: TSFM (Ts translation elongation factor, mitochondrial; plus strand). Cytogenetic location: 12q14.1.
Variant type: single nucleotide variant.
Coding change: c.817G>A on transcript NM_005726.6 (MANE Select); coding-DNA position 817, G replaced by A.
Protein change: p.Asp273Asn; replaces aspartic acid 273 with asparagine.
Molecular consequence: missense variant. On other transcripts: 3 prime UTR variant (1), intron variant (1).
Genome position (GRCh38, 1-based): chr12:57,796,422, G>A. VCF-style: chr12-57796422-G-A. GRCh37 (hg19) VCF-style: chr12-58190205-G-A.
Other names: c.*225G>A (NM_001172695.2); c.880G>A, p.Asp294Asn (NM_001172696.2); c.571+3349G>A (NM_001172697.2); short protein forms D273N, D294N.
Identifiers: ClinVar variation 3614317 (VCV003614317.2).
Genomic context (GRCh38, chr12:57,796,422, plus strand): 5'-GGCCGCCGCCTTGGGCAGCATGTGGTGGGCATGGCCCCCCTCTCTGTTGGCTCCCTGGAC[G>A]ATGAGCCTGGGGGAGAGGCAGAGACTAAGATGCTGTCCCAGCCGTATTTGCTGGATCCCT-3'
Protein context (NP_005717.3, residues 263-283): MAPLSVGSLD[Asp273Asn]EPGGEAETKM

ClinVar aggregate classification (germline): Uncertain significance (1 of 4 stars; one submission).

gnomAD v4.1: 18 of 1,602,400 alleles (0.0011%); highest among the groups gnomAD compares: South Asian, 0.0022%; no homozygotes.

Submission:

Labcorp Genetics (formerly Invitae), Labcorp
Classification: Uncertain significance. Last evaluated: 2024-06-30. Review status: criteria provided, single submitter. Criteria: Invitae Variant Classification Sherloc (09022015). Collection method: clinical testing. Allele origin: germline.
Comment: This sequence change replaces aspartic acid, which is acidic and polar, with asparagine, which is neutral and polar, at codon 294 of the TSFM protein (p.Asp294Asn). The frequency data for this variant in the population databases is considered unreliable, as metrics indicate poor data quality at this position in the gnomAD database. This variant has not been reported in the literature in individuals affected with TSFM-related conditions. An algorithm developed to predict the effect of missense changes on protein structure and function (PolyPhen-2) suggests that this variant is likely to be disruptive. In summary, the available evidence is currently insufficient to determine the role of this variant in disease. Therefore, it has been classified as a Variant of Uncertain Significance.